The following is an entry in ClinVar:

NM_014946.4(SPAST):c.1541G>A (p.Arg514Lys)

Gene: SPAST (spastin; plus strand). Cytogenetic location: 2p22.3.
Variant type: single nucleotide variant.
Coding change: c.1541G>A on transcript NM_014946.4 (MANE Select); coding-DNA position 1541, G replaced by A.
Protein change: p.Arg514Lys; replaces arginine 514 with lysine.
Molecular consequence: missense variant.
Genome position (GRCh38, 1-based): chr2:32,143,340, G>A. VCF-style: chr2-32143340-G-A. GRCh37 (hg19) VCF-style: chr2-32368409-G-A.
Other names: c.1538G>A, p.Arg513Lys (NM_001363823.2); c.1442G>A, p.Arg481Lys (NM_001363875.2); c.1445G>A, p.Arg482Lys (NM_001377959.1, NM_199436.2); short protein forms R481K, R482K, R513K, R514K.
Identifiers: ClinVar variation 1690588 (VCV001690588.2), dbSNP rs2148759377, ClinGen allele CA346503586.

ClinVar aggregate classification (germline): Uncertain significance (1 of 4 stars; one submission).

Submission:

Laboratorio de Genetica e Diagnostico Molecular, Hospital Israelita Albert Einstein
Classification: Uncertain significance. Last evaluated: 2022-03-16. Review status: criteria provided, single submitter. Criteria: ACMG Guidelines, 2015. Collection method: clinical testing. Allele origin: germline. Affected: yes.
Comment: ACMG classification criteria: PM2, PP3